The following is an entry in ClinVar:

ClinVar aggregate classification (germline): Benign. Review status: criteria provided, multiple submitters, no conflicts (2 of 4 stars). 4 submissions from 4 submitters: Benign (3). 1 of the submissions does not count toward it. Last evaluated 2026-01-02.

Conditions:
Nephronophthisis 15 (NPHP15). Identifiers: Orphanet 3156, MedGen C3541853, MONDO:0013917, OMIM 614845.
CEP164-related disorder. Also called: CEP164-related condition.

Allele frequency attached by ClinVar (database versions not stated): gnomAD 0.00039 and 0.00041; TOPMed 0.00043; ExAC 0.00050; ESP Exome Variant Server 0.00054; gnomAD exomes 0.00066.

Submissions (4):

Labcorp Genetics (formerly Invitae), Labcorp
Classification: Benign for Nephronophthisis 15. Last evaluated: 2026-01-02. Review status: criteria provided, single submitter. Criteria: Invitae Variant Classification Sherloc (09022015). Collection method: clinical testing. Allele origin: germline.

Blueprint Genetics
Classification: Benign. Last evaluated: 2024-10-18. Review status: criteria provided, single submitter. Criteria: ACMG Guidelines, 2015. Collection method: clinical testing. Allele origin: germline.

Breakthrough Genomics
Classification: Benign. Review status: criteria provided, single submitter. Criteria: ACMG Guidelines, 2015. Collection method: not provided. Allele origin: germline. Inheritance: Autosomal recessive inheritance. Affected: yes.

PreventionGenetics, part of Exact Sciences
Classification: Likely benign for CEP164-related condition. Last evaluated: 2020-07-29. Review status: no assertion criteria provided. Collection method: clinical testing. Allele origin: germline. Not counted in ClinVar's aggregate classification.
Comment: This variant is classified as likely benign based on ACMG/AMP sequence variant interpretation guidelines (Richards et al. 2015 PMID: 25741868, with internal and published modifications).

NM_014956.5(CEP164):c.748G>A (p.Gly250Ser)

Gene: CEP164 (centrosomal protein 164; plus strand). Cytogenetic location: 11q23.3.
Variant type: single nucleotide variant.
Coding change: c.748G>A on transcript NM_014956.5 (MANE Select); coding-DNA position 748, G replaced by A.
Protein change: p.Gly250Ser; replaces glycine 250 with serine.
Molecular consequence: missense variant.
Genome position (GRCh38, 1-based): chr11:117,363,489, G>A. VCF-style: chr11-117363489-G-A. GRCh37 (hg19) VCF-style: chr11-117234205-G-A.
Other names: c.748G>A, p.Gly250Ser (NM_001271933.2); short protein forms G250S.
Identifiers: ClinVar variation 473087 (VCV000473087.15), dbSNP rs146501105, ClinGen allele CA6294575.